The following is an entry in ClinVar:

ClinVar aggregate classification (germline): Uncertain significance (1 of 4 stars; one submission).

gnomAD v4.1: 6 of 1,613,736 alleles (0.00037%); highest among the groups gnomAD compares: Admixed American, 0.0017%; no homozygotes.

Submission:

Labcorp Genetics (formerly Invitae), Labcorp
Classification: Uncertain significance. Last evaluated: 2025-06-03. Review status: criteria provided, single submitter. Criteria: Invitae Variant Classification Sherloc (09022015). Collection method: clinical testing. Allele origin: germline.
Comment: This sequence change replaces isoleucine, which is neutral and non-polar, with valine, which is neutral and non-polar, at codon 1692 of the CDH23 protein (p.Ile1692Val). This variant is not present in population databases (gnomAD no frequency). This variant has not been reported in the literature in individuals affected with CDH23-related conditions. Invitae Evidence Modeling of protein sequence and biophysical properties (such as structural, functional, and spatial information, amino acid conservation, physicochemical variation, residue mobility, and thermodynamic stability) has been performed for this missense variant. However, the output from this modeling did not meet the statistical confidence thresholds required to predict the impact of this variant on CDH23 protein function. In summary, the available evidence is currently insufficient to determine the role of this variant in disease. Therefore, it has been classified as a Variant of Uncertain Significance.

NM_022124.6(CDH23):c.5074A>G (p.Ile1692Val)

Gene: CDH23 (cadherin related 23; plus strand). Cytogenetic location: 10q22.1.
Variant type: single nucleotide variant.
Coding change: c.5074A>G on transcript NM_022124.6 (MANE Select); coding-DNA position 5074, A replaced by G.
Protein change: p.Ile1692Val; replaces isoleucine 1692 with valine.
Molecular consequence: missense variant.
Genome position (GRCh38, 1-based): chr10:71,778,195, A>G. VCF-style: chr10-71778195-A-G. GRCh37 (hg19) VCF-style: chr10-73537952-A-G.
Other names: short protein forms I1692V.
Identifiers: ClinVar variation 4706757 (VCV004706757.1).
Genomic context (GRCh38, chr10:71,778,195, plus strand): 5'-GCTGCAGACCTACCACCCCTAGATCCATCCTTGTCCCTTCCCTGTGTCCCCCAGGGTGTC[A>G]TCACTGCTGCCAAAGAGCTGGACTACGAGATCAGCCACGGCCGCTACACCCTGATCGTCA-3'
Protein context (NP_071407.4, residues 1682-1702): TFRIDRHMGV[Ile1692Val]TAAKELDYEI